The following is an entry in ClinVar:

ClinVar aggregate classification (germline): Uncertain significance (1 of 4 stars; one submission).

Conditions:
Hereditary nonpolyposis colorectal neoplasms. Identifiers: MedGen C0009405, MeSH D003123.

Submission:

Labcorp Genetics (formerly Invitae), Labcorp
Classification: Uncertain significance for Hereditary nonpolyposis colorectal neoplasms. Last evaluated: 2023-02-22. Review status: criteria provided, single submitter. Criteria: Invitae Variant Classification Sherloc (09022015). Collection method: clinical testing. Allele origin: germline.
Comment: In summary, the available evidence is currently insufficient to determine the role of this variant in disease. Therefore, it has been classified as a Variant of Uncertain Significance. Advanced modeling of protein sequence and biophysical properties (such as structural, functional, and spatial information, amino acid conservation, physicochemical variation, residue mobility, and thermodynamic stability) performed at Invitae indicates that this missense variant is not expected to disrupt PMS2 protein function. This variant has not been reported in the literature in individuals affected with PMS2-related conditions. This variant is not present in population databases (gnomAD no frequency). This sequence change replaces serine, which is neutral and polar, with alanine, which is neutral and non-polar, at codon 588 of the PMS2 protein (p.Ser588Ala).

NM_000535.7(PMS2):c.1762T>G (p.Ser588Ala)

Gene: PMS2 (PMS1 homolog 2, mismatch repair system component; minus strand). Cytogenetic location: 7p22.1.
Variant type: single nucleotide variant.
Coding change: c.1762T>G on transcript NM_000535.7 (MANE Select); coding-DNA position 1762, T replaced by G.
Protein change: p.Ser588Ala; replaces serine 588 with alanine.
Molecular consequence: missense variant. On other transcripts: non-coding transcript variant (1), intron variant (1).
Genome position (GRCh38, 1-based): chr7:5,987,003, A>C on the plus strand (T>G on the coding strand, the complement: PMS2 is on the minus strand). VCF-style: chr7-5987003-A-C. GRCh37 (hg19) VCF-style: chr7-6026634-A-C.
Other names: c.1357T>G, p.Ser453Ala (NM_001018040.1, NM_001322003.2, NM_001322004.2 and 17 more transcripts); c.1606T>G, p.Ser536Ala (NM_001322006.2, NM_001406870.1); c.1444T>G, p.Ser482Ala (NM_001322007.2, NM_001322008.2, NM_001406903.1 and 2 more transcripts); c.1201T>G, p.Ser401Ala (NM_001322010.2, NM_001406906.1, NM_001406907.1); c.829T>G, p.Ser277Ala (NM_001322011.2, NM_001322012.2); c.1189T>G, p.Ser397Ala (NM_001322013.2, NM_001406909.1); c.1762T>G, p.Ser588Ala (NM_001322014.2, NM_001406871.1, NM_001406872.1); c.1453T>G, p.Ser485Ala (NM_001322015.2, NM_001406875.1, NM_001406877.1 and 5 more transcripts); and 13 more; short protein forms S277A, S397A, S401A, S433A, S453A, S596A, S650A, S430A.
Identifiers: ClinVar variation 2840082 (VCV002840082.3), dbSNP rs2128723900, ClinGen allele CA366739983.